The following is an entry in ClinVar:

ClinVar aggregate classification (germline): Uncertain significance (1 of 4 stars; one submission).

Conditions:
Metachromatic leukodystrophy (MLD). Also called: Cerebral sclerosis diffuse metachromatic form; Arylsulfatase A Deficiency; ARSA DEFICIENCY; CEREBROSIDE SULFATASE DEFICIENCY; METACHROMATIC LEUKOENCEPHALOPATHY; SULFATIDE LIPIDOSIS. Identifiers: Orphanet 512, MedGen C0023522, MONDO:0018868, OMIM 250100.

Submission:

Labcorp Genetics (formerly Invitae), Labcorp
Classification: Uncertain significance for Metachromatic leukodystrophy. Last evaluated: 2025-02-19. Review status: criteria provided, single submitter. Criteria: Invitae Variant Classification Sherloc (09022015). Collection method: clinical testing. Allele origin: germline.
Comment: This sequence change replaces alanine, which is neutral and non-polar, with valine, which is neutral and non-polar, at codon 418 of the ARSA protein (p.Ala418Val). This variant is not present in population databases (gnomAD no frequency). This variant has not been reported in the literature in individuals affected with ARSA-related conditions. Invitae Evidence Modeling of protein sequence and biophysical properties (such as structural, functional, and spatial information, amino acid conservation, physicochemical variation, residue mobility, and thermodynamic stability) has been performed for this missense variant. However, the output from this modeling did not meet the statistical confidence thresholds required to predict the impact of this variant on ARSA protein function. In summary, the available evidence is currently insufficient to determine the role of this variant in disease. Therefore, it has been classified as a Variant of Uncertain Significance.

NM_000487.6(ARSA):c.1253C>T (p.Ala418Val)

Gene: ARSA (arylsulfatase A; minus strand). Cytogenetic location: 22q13.33.
Variant type: single nucleotide variant.
Coding change: c.1253C>T on transcript NM_000487.6 (MANE Select); coding-DNA position 1253, C replaced by T.
Protein change: p.Ala418Val; replaces alanine 418 with valine.
Molecular consequence: missense variant.
Genome position (GRCh38, 1-based): chr22:50,625,422, G>A on the plus strand (C>T on the coding strand, the complement: ARSA is on the minus strand). VCF-style: chr22-50625422-G-A. GRCh37 (hg19) VCF-style: chr22-51063850-G-A.
Other names: c.1253C>T, p.Ala418Val (NM_001085425.3, NM_001085426.3, NM_001085427.3); c.995C>T, p.Ala332Val (NM_001085428.3, NM_001362782.2); short protein forms A332V, A418V.
Identifiers: ClinVar variation 4771843 (VCV004771843.1).